The following is an entry in ClinVar:

NM_014141.6(CNTNAP2):c.913T>A (p.Phe305Ile)

Gene: CNTNAP2 (contactin associated protein 2; plus strand). Cytogenetic location: 7q35.
Variant type: single nucleotide variant.
Coding change: c.913T>A on transcript NM_014141.6 (MANE Select); coding-DNA position 913, T replaced by A.
Protein change: p.Phe305Ile; replaces phenylalanine 305 with isoleucine.
Molecular consequence: missense variant.
Genome position (GRCh38, 1-based): chr7:147,121,137, T>A. VCF-style: chr7-147121137-T-A. GRCh37 (hg19) VCF-style: chr7-146818229-T-A.
Other names: p.F305I:TTT>ATT; short protein forms F305I.
Identifiers: ClinVar variation 205228 (VCV000205228.4), dbSNP rs796052369, ClinGen allele CA314090.

ClinVar aggregate classification (germline): Uncertain significance (1 of 4 stars; one submission).

Submission:

GeneDx
Classification: Uncertain significance. Last evaluated: 2023-09-05. Review status: criteria provided, single submitter. Criteria: GeneDx Variant Classification Process June 2021. Collection method: clinical testing. Allele origin: germline. Affected: yes.
Comment: Not observed at significant frequency in large population cohorts (gnomAD); In silico analysis supports that this missense variant has a deleterious effect on protein structure/function; Has not been previously published as pathogenic or benign to our knowledge